The following is an entry in ClinVar:

NM_000127.3(EXT1):c.367A>G (p.Lys123Glu)

Gene: EXT1 (exostosin glycosyltransferase 1; minus strand). Cytogenetic location: 8q24.11.
Variant type: single nucleotide variant.
Coding change: c.367A>G on transcript NM_000127.3 (MANE Select); coding-DNA position 367, A replaced by G.
Protein change: p.Lys123Glu; replaces lysine 123 with glutamic acid.
Molecular consequence: missense variant.
Genome position (GRCh38, 1-based): chr8:118,110,680, T>C on the plus strand (A>G on the coding strand, the complement: EXT1 is on the minus strand). VCF-style: chr8-118110680-T-C. GRCh37 (hg19) VCF-style: chr8-119122919-T-C.
Other names: short protein forms K123E.
Identifiers: ClinVar variation 4802760 (VCV004802760.1).

ClinVar aggregate classification (germline): Uncertain significance (1 of 4 stars; one submission).

Conditions:
Multiple congenital exostosis (EXT). Also called: MULTIPLE CARTILAGINOUS EXOSTOSES; Hereditary multiple osteochondromas; Hereditary multiple exostoses; Hereditary multiple exostosis; Multiple exostoses; Multiple osteochondromas. Identifiers: Orphanet 321, MedGen C0015306, MONDO:0005508, HP:0002762.

Submission:

Labcorp Genetics (formerly Invitae), Labcorp
Classification: Uncertain significance for Multiple congenital exostosis. Last evaluated: 2026-01-31. Review status: criteria provided, single submitter. Criteria: Invitae Variant Classification Sherloc (09022015). Collection method: clinical testing. Allele origin: germline.
Comment: This sequence change replaces lysine, which is basic and polar, with glutamic acid, which is acidic and polar, at codon 123 of the EXT1 protein (p.Lys123Glu). This variant is not present in population databases (gnomAD no frequency). This variant has not been reported in the literature in individuals affected with EXT1-related conditions. Invitae Evidence Modeling of protein sequence and biophysical properties (such as structural, functional, and spatial information, amino acid conservation, physicochemical variation, residue mobility, and thermodynamic stability) has been performed for this missense variant. However, the output from this modeling did not meet the statistical confidence thresholds required to predict the impact of this variant on EXT1 protein function. In summary, the available evidence is currently insufficient to determine the role of this variant in disease. Therefore, it has been classified as a Variant of Uncertain Significance.